The following is an entry in ClinVar:

ClinVar aggregate classification (germline): Uncertain significance (1 of 4 stars; one submission).

Conditions:
Hereditary sensory and autonomic neuropathy type 6. Also called: HSAN VI; Neuropathy, hereditary sensory and autonomic, type VI. Identifiers: Orphanet 314381, MedGen C3539003, MONDO:0013839, OMIM 614653.
Epidermolysis bullosa simplex 3, localized or generalized intermediate, with BP230 deficiency (EBS3). Also called: Epidermolysis bullosa simplex, autosomal recessive 2; Epidermolysis bullosa simplex due to BP230 deficiency. Identifiers: Orphanet 412181, MedGen C3809470, MONDO:0014180, OMIM 615425.

Allele frequency attached by ClinVar (database versions not stated): gnomAD exomes 0.00003; ExAC 0.00008; gnomAD 0.00009; 1000 Genomes Project 0.00060; 1000 Genomes Project 30x 0.00078.
gnomAD v4.1: 62 of 1,613,764 alleles (0.0038%); highest among the groups gnomAD compares: South Asian, 0.063%; 1 homozygote.

Submission:

Labcorp Genetics (formerly Invitae), Labcorp
Classification: Uncertain significance for Epidermolysis bullosa simplex 3, localized or generalized intermediate, with BP230 deficiency; Hereditary sensory and autonomic neuropathy type 6. Last evaluated: 2022-10-19. Review status: criteria provided, single submitter. Criteria: Invitae Variant Classification Sherloc (09022015). Collection method: clinical testing. Allele origin: germline.
Comment: This variant has not been reported in the literature in individuals affected with DST-related conditions. In summary, the available evidence is currently insufficient to determine the role of this variant in disease. Therefore, it has been classified as a Variant of Uncertain Significance. Experimental studies and prediction algorithms are not available or were not evaluated, and the effect of this variant on mRNA splicing is currently unknown. This variant is present in population databases (rs552289837, gnomAD 0.05%). This sequence change affects codon 2132 of the DST mRNA. It is a 'silent' change, meaning that it does not change the encoded amino acid sequence of the DST protein. The DST gene has multiple clinically relevant transcripts. This variant occurs in alternate transcript NM_015548.4, and corresponds to NM_001723.5:c.*54164A>G in the primary transcript.

NM_001374736.1(DST):c.14265A>G (p.Ala4755=)

Genes: DST (dystonin; minus strand), LOC129389544 (MPRA-validated peak5860 silencer; plus strand). Cytogenetic location: 6p12.1.
Variant type: single nucleotide variant.
Coding change: c.14265A>G on transcript NM_001374736.1 (MANE Select); coding-DNA position 14265, A replaced by G.
Protein change: p.Ala4755=; no amino-acid change (alanine 4755 retained).
Molecular consequence: synonymous variant.
Genome position (GRCh38, 1-based): chr6:56,561,353, T>C on the plus strand (A>G on the coding strand, the complement: DST is on the minus strand). VCF-style: chr6-56561353-T-C. GRCh37 (hg19) VCF-style: chr6-56426151-T-C.
Other names: c.7908A>G, p.Ala2636= (NM_001144769.5); c.7494A>G, p.Ala2498= (NM_001144770.2); c.14265A>G, p.Ala4755= (NM_001374722.1); c.13632A>G, p.Ala4544= (NM_001374729.1); c.7374A>G, p.Ala2458= (NM_001374730.1, NM_001386100.1, NM_183380.4); c.14292A>G, p.Ala4764= (NM_001374734.1); c.6396A>G, p.Ala2132= (NM_015548.5).
Identifiers: ClinVar variation 1905440 (VCV001905440.5), dbSNP rs552289837, ClinGen allele CA3868065.
Genomic context (GRCh38, chr6:56,561,353, plus strand): 5'-ACCCACAGAATATACCTTATTCTGCTCAACTTGAGTCTTCACAGCTTCAGTATCTGTAGG[T>C]GCAGGTGTCTGCTGCCATTTTGTTGCAGTTTTGTTCATTTTCTGTAACCACTGCATCATT-3'
Protein context (NP_001361665.1, residues 4745-4765): KTATKWQQTP[Ala4755=]PTDTEAVKTQ